The following is an entry in ClinVar:

ClinVar aggregate classification (germline): Pathogenic (1 of 4 stars; one submission).

Submission:

Labcorp Genetics (formerly Invitae), Labcorp
Classification: Pathogenic. Last evaluated: 2023-04-16. Review status: criteria provided, single submitter. Criteria: Invitae Variant Classification Sherloc (09022015). Collection method: clinical testing. Allele origin: unknown.
Comment: A similar copy number variant has been observed in individual(s) with clinical features of mitochondrial complex I deficiency (PMID: 22644603). This variant is a gross deletion of the genomic region encompassing exon(s) 2-4 of the NDUFAF2 gene, which includes the termination codon. This deletion extends beyond the assayed region for this gene and therefore may encompass additional genes. While this deletion is not anticipated to lead to nonsense mediated decay, it is expected to alter mRNA translation or result in a truncated protein product. This variant disrupts a region of the NDUFAF2 protein in which other variant(s) (p.Trp74*) have been determined to be pathogenic (PMID: 20818383). This suggests that this is a clinically significant region of the protein, and that variants that disrupt it are likely to be disease-causing. For these reasons, this variant has been classified as Pathogenic.

Literature cited by the submitters: PubMed 22644603; PubMed 20818383.

NC_000005.9:g.(?_60368932)_(60448782_?)del

Gene: NDUFAF2 (NADH:ubiquinone oxidoreductase complex assembly factor 2; plus strand). Cytogenetic location: 5q12.1.
Variant type: Deletion.
Identifiers: ClinVar variation 3246571 (VCV003246571.1).